The following is an entry in ClinVar:

NM_004656.4(BAP1):c.490A>G (p.Thr164Ala)

Gene: BAP1 (BRCA1 associated deubiquitinase 1; minus strand). Cytogenetic location: 3p21.1.
Variant type: single nucleotide variant.
Coding change: c.490A>G on transcript NM_004656.4 (MANE Select); coding-DNA position 490, A replaced by G.
Protein change: p.Thr164Ala; replaces threonine 164 with alanine.
Molecular consequence: missense variant.
Genome position (GRCh38, 1-based): chr3:52,407,264, T>C on the plus strand (A>G on the coding strand, the complement: BAP1 is on the minus strand). VCF-style: chr3-52407264-T-C. GRCh37 (hg19) VCF-style: chr3-52441280-T-C.
Other names: c.490A>G (NM_004656.2); short protein forms T164A.
Identifiers: ClinVar variation 572228 (VCV000572228.13), dbSNP rs748856655, ClinGen allele CA2437064.

ClinVar aggregate classification (germline): Uncertain significance. Review status: criteria provided, multiple submitters, no conflicts (2 of 4 stars). 3 submissions from 3 submitters: Uncertain significance (3). Last evaluated 2026-01-20.

Conditions:
BAP1-related tumor predisposition syndrome (TPDS1). Also called: BAP1 tumor predisposition syndrome; Tumor susceptibility linked to germline BAP1 mutations; COMMON Syndrome; TUMOR PREDISPOSITION SYNDROME 1. Identifiers: Orphanet 289539, MedGen C3280492, MONDO:0013692, OMIM 614327.
Hereditary cancer-predisposing syndrome. Also called: Neoplastic Syndromes, Hereditary; Hereditary Cancer Syndrome; Tumor predisposition; Hereditary neoplastic syndrome. Identifiers: Orphanet 140162, MedGen C0027672, MeSH D009386, MONDO:0015356.

Allele frequency attached by ClinVar (database versions not stated): ExAC 0.00001.
gnomAD v4.1: 1 of 1,614,126 alleles (0.000062%); no homozygotes.

Submissions (3):

Labcorp Genetics (formerly Invitae), Labcorp
Classification: Uncertain significance for BAP1-related tumor predisposition syndrome. Last evaluated: 2026-01-20. Review status: criteria provided, single submitter. Criteria: Invitae Variant Classification Sherloc (09022015). Collection method: clinical testing. Allele origin: germline.
Comment: This sequence change replaces threonine, which is neutral and polar, with alanine, which is neutral and non-polar, at codon 164 of the BAP1 protein (p.Thr164Ala). This variant is present in population databases (rs748856655, gnomAD 0.006%). This variant has not been reported in the literature in individuals affected with BAP1-related conditions. ClinVar contains an entry for this variant (Variation ID: 572228). Invitae Evidence Modeling of protein sequence and biophysical properties (such as structural, functional, and spatial information, amino acid conservation, physicochemical variation, residue mobility, and thermodynamic stability) indicates that this missense variant is not expected to disrupt BAP1 protein function with a negative predictive value of 80%. In summary, the available evidence is currently insufficient to determine the role of this variant in disease. Therefore, it has been classified as a Variant of Uncertain Significance.

Ambry Genetics
Classification: Uncertain significance for Hereditary cancer-predisposing syndrome. Last evaluated: 2025-05-27. Review status: criteria provided, single submitter. Criteria: Ambry Variant Classification Scheme 2023. Collection method: clinical testing. Allele origin: germline.
Comment: The p.T164A variant (also known as c.490A>G), located in coding exon 7 of the BAP1 gene, results from an A to G substitution at nucleotide position 490. The threonine at codon 164 is replaced by alanine, an amino acid with similar properties. This amino acid position is conserved. In addition, the in silico prediction for this alteration is inconclusive. Since supporting evidence is limited at this time, the clinical significance of this alteration remains unclear.

Color Diagnostics, LLC DBA Color Health
Classification: Uncertain significance for Hereditary cancer-predisposing syndrome. Last evaluated: 2024-03-06. Review status: criteria provided, single submitter. Criteria: ACMG Guidelines, 2015. Collection method: clinical testing. Allele origin: germline.
Comment: This missense variant replaces threonine with alanine at codon 164 of the BAP1 protein. Computational prediction suggests that this variant may not impact protein structure and function (internally defined REVEL score threshold <= 0.5, PMID: 27666373). To our knowledge, functional studies have not been reported for this variant. This variant has not been reported in individuals affected with BAP1-related disorders in the literature. This variant has been identified in 1/246252 chromosomes in the general population by the Genome Aggregation Database (gnomAD). The available evidence is insufficient to determine the role of this variant in disease conclusively. Therefore, this variant is classified as a Variant of Uncertain Significance.